The following is an entry in ClinVar:

NM_005235.3(ERBB4):c.*3388C>T

Gene: ERBB4 (erb-b2 receptor tyrosine kinase 4; minus strand). Cytogenetic location: 2q34.
Variant type: single nucleotide variant.
Coding change: c.*3388C>T on transcript NM_005235.3 (MANE Select); 3388 bases downstream of the stop codon, C replaced by T.
Molecular consequence: 3 prime UTR variant.
Genome position (GRCh38, 1-based): chr2:211,380,227, G>A on the plus strand (C>T on the coding strand, the complement: ERBB4 is on the minus strand). VCF-style: chr2-211380227-G-A. GRCh37 (hg19) VCF-style: chr2-212244952-G-A.
Other names: c.*3388C>T (NM_001042599.2).
Identifiers: ClinVar variation 1230173 (VCV001230173.4), dbSNP rs1836724, ClinGen allele CA16125665.

ClinVar aggregate classification (germline): Benign. Review status: criteria provided, multiple submitters, no conflicts (2 of 4 stars). 2 submissions from 2 submitters: Benign (2). Last evaluated 2021-02-24.

Allele frequency attached by ClinVar (database versions not stated): TOPMed 0.56488; gnomAD 0.56712 and 0.57830; 1000 Genomes Project 30x 0.59728; 1000 Genomes Project 0.60463; gnomAD exomes 0.64470.
gnomAD v4.1: 139,078 of 231,818 alleles (60%); highest among the groups gnomAD compares: East Asian, 77%; 43,019 homozygotes.

Submissions (2):

GeneDx
Classification: Benign. Last evaluated: 2021-02-24. Review status: criteria provided, single submitter. Criteria: GeneDx Variant Classification Process June 2021. Collection method: clinical testing. Allele origin: germline. Affected: yes.
Comment: This variant is associated with the following publications: (PMID: 29125883)

Breakthrough Genomics
Classification: Benign. Review status: criteria provided, single submitter. Criteria: ACMG Guidelines, 2015. Collection method: not provided. Allele origin: germline. Inheritance: Autosomal dominant inheritance. Affected: yes.